The following is an entry in ClinVar:

NM_004970.3(IGFALS):c.691C>G (p.Arg231Gly)

Gene: IGFALS (insulin like growth factor binding protein acid labile subunit; minus strand). Cytogenetic location: 16p13.3.
Variant type: single nucleotide variant.
Coding change: c.691C>G on transcript NM_004970.3 (MANE Select); coding-DNA position 691, C replaced by G.
Protein change: p.Arg231Gly; replaces arginine 231 with glycine.
Molecular consequence: missense variant. On other transcripts: non-coding transcript variant (1).
Genome position (GRCh38, 1-based): chr16:1,791,727, G>C on the plus strand (C>G on the coding strand, the complement: IGFALS is on the minus strand). VCF-style: chr16-1791727-G-C. GRCh37 (hg19) VCF-style: chr16-1841728-G-C.
Other names: c.805C>G, p.Arg269Gly (NM_001146006.2); short protein forms R269G, R231G.
Identifiers: ClinVar variation 5008417 (VCV005008417.1).

ClinVar aggregate classification (germline): Uncertain significance (1 of 4 stars; one submission).

Submission:

GeneDx
Classification: Uncertain significance. Last evaluated: 2026-03-04. Review status: criteria provided, single submitter. Criteria: GeneDx Variant Classification Process June 2021. Collection method: clinical testing. Allele origin: germline.
Comment: Not observed at significant frequency in large population cohorts (gnomAD); In silico analysis supports that this missense variant has a deleterious effect on protein structure/function; Has not been previously published as pathogenic or benign to our knowledge